The following is an entry in ClinVar:

ClinVar aggregate classification (germline): Likely benign (1 of 4 stars; one submission).

gnomAD v4.1: 38 of 1,605,208 alleles (0.0024%); highest among the groups gnomAD compares: Non-Finnish European, 0.0027%; no homozygotes.

Submission:

CeGaT Center for Human Genetics Tuebingen
Classification: Likely benign. Last evaluated: 2026-03-01. Review status: criteria provided, single submitter. Criteria: CeGaT Center For Human Genetics Tuebingen Variant Classification Criteria Version 2. Collection method: clinical testing. Allele origin: germline. Affected: yes. Observed: 1 variant allele.
Comment: MED12L: BP4, BP7

NM_001393769.1(MED12L):c.4008C>T (p.Thr1336=)

Genes: MED12L (mediator complex subunit 12L; plus strand), P2RY12 (purinergic receptor P2Y12; minus strand). Cytogenetic location: 3q25.1.
Variant type: single nucleotide variant.
Coding change: c.4008C>T on transcript NM_001393769.1 (MANE Select); coding-DNA position 4008, C replaced by T.
Protein change: p.Thr1336=; no amino-acid change (threonine 1336 retained).
Molecular consequence: synonymous variant. On other transcripts: intron variant (1).
Genome position (GRCh38, 1-based): chr3:151,376,169, C>T. VCF-style: chr3-151376169-C-T. GRCh37 (hg19) VCF-style: chr3-151093957-C-T.
Other names: c.3903C>T, p.Thr1301= (NM_053002.6); c.-180+8523G>A (NM_022788.5).
Identifiers: ClinVar variation 4821460 (VCV004821460.4).